The following is an entry in ClinVar:

ClinVar aggregate classification (germline): Uncertain significance. Review status: criteria provided, multiple submitters, no conflicts (2 of 4 stars). 3 submissions from 3 submitters: Uncertain significance (2). 1 of the submissions does not count toward it. Last evaluated 2025-03-27.

Conditions:
Gastric cancer. Also called: Stomach cancer; Malignant tumor of stomach. Identifiers: MedGen C0024623, MeSH D013274, MONDO:0001056, OMIM 613659, HP:0012126.
Hereditary cancer-predisposing syndrome. Also called: Hereditary Cancer Syndrome; Neoplastic Syndromes, Hereditary; Hereditary neoplastic syndrome; Tumor predisposition. Identifiers: Orphanet 140162, MedGen C0027672, MeSH D009386, MONDO:0015356.
Hereditary breast ovarian cancer syndrome. Also called: Hereditary breast and ovarian cancer syndrome; Breast and ovarian cancer; BRCA1- and BRCA2-Associated Hereditary Breast and Ovarian Cancer; Hereditary breast and/or ovarian cancer syndrome; Hereditary breast and ovarian cancer; Hereditary breast and ovarian cancer syndrome (HBOC). Identifiers: Orphanet 145, MedGen C0677776, MeSH D061325, MONDO:0003582. Disease mechanism: loss of function.

Submissions (3):

Ambry Genetics
Classification: Uncertain significance for Hereditary cancer-predisposing syndrome. Last evaluated: 2025-03-27. Review status: criteria provided, single submitter. Criteria: Ambry Variant Classification Scheme 2023. Collection method: clinical testing. Allele origin: germline.
Comment: The p.Q206* variant (also known as c.616C>T or 735C>T) located in coding exon 8 of the BRCA1 gene, results from a C to T substitution at nucleotide position 616. This changes the amino acid from a glutamine to a stop codon within coding exon 8. Alterations that result in premature protein truncation are typically deleterious in nature. However, because this alteration occurs in one of the two exons that are absent in an in-frame, partially functional, naturally occurring isoform (&Delta;7_8, also known as &Delta;9,10 in the literature), it has an uncertain impact on pathogenicity (Colombo M et al. Hum. Mol. Genet. 2014 Jul;23:3666-80; Whiley PJ et al. Clin. Chem. 2014 Feb;60:341-52). Based on the available evidence, the clinical significance of this variant remains unclear.

Labcorp Genetics (formerly Invitae), Labcorp
Classification: Uncertain significance for Hereditary breast ovarian cancer syndrome. Last evaluated: 2021-01-22. Review status: criteria provided, single submitter. Criteria: Invitae Variant Classification Sherloc (09022015). Collection method: clinical testing. Allele origin: germline.
Comment: This sequence change results in a premature translational stop signal in the BRCA1 gene (p.Gln206*). It is expected to result in an absent or disrupted protein product. However, this sequence variant may be functionally rescued by a naturally occurring isoform of BRCA1 lacking exons 8 and 9. This variant is not present in population databases (ExAC no frequency). This variant has been observed in individual(s) with breast and/or ovarian cancer (PMID: 12815604, 30702160). This variant is also known as c.735C>T in the literature. ClinVar contains an entry for this variant (Variation ID: 55647). Loss-of-function variants in BRCA1 are expected to be pathogenic (PMID: 20104584). However, detailed characterization of the splicing patterns of the BRCA1 gene has identified an in-frame BRCA1 isoform lacking exons 8 and 9 (also known as exons 9 and 10). This Δ8-9 isoform is highly expressed in normal breast tissue and blood of unaffected individuals, suggesting it may not be deleterious. In addition, this naturally occurring isoform results in the in-frame deletion of 41 amino acid residues that do not overlap a known clinically important functional domain of the BRCA1 protein, and therefore may retain functional activity (PMID: 24569164, 30832263). Taken together, these observations suggest that the Δ8-9 isoform has the potential to maintain BRCA1 protein function and rescue loss-of-function variants within these exons (PMID: 24569164, 27008870). Additional clinical and/or functional data is required to establish the pathogenicity of these variants. In summary, the available evidence is currently insufficient to determine the role of this variant in disease. Therefore, it has been classified as a Variant of Uncertain Significance.

Laboratory for Genotyping Development, RIKEN
Classification: Pathogenic for Gastric cancer. Last evaluated: 2021-07-01. Review status: no assertion criteria provided. Collection method: research. Allele origin: germline. Not counted in ClinVar's aggregate classification.

Literature cited by the submitters: PubMed 12815604 (cited by Labcorp Genetics (formerly Invitae), Labcorp); PubMed 30702160 (cited by Labcorp Genetics (formerly Invitae), Labcorp); PubMed 20104584 (cited by Labcorp Genetics (formerly Invitae), Labcorp); PubMed 24569164 (cited by Labcorp Genetics (formerly Invitae), Labcorp); PubMed 30832263 (cited by Labcorp Genetics (formerly Invitae), Labcorp); PubMed 27008870 (cited by Labcorp Genetics (formerly Invitae), Labcorp); PubMed 36988593 (cited by Laboratory for Genotyping Development, RIKEN).

NM_007294.4(BRCA1):c.616C>T (p.Gln206Ter)

Gene: BRCA1 (BRCA1 DNA repair associated; minus strand). Cytogenetic location: 17q21.31.
Variant type: single nucleotide variant.
Coding change: c.616C>T on transcript NM_007294.4 (MANE Select); coding-DNA position 616, C replaced by T.
Protein change: p.Gln206Ter; replaces glutamine 206 with a stop codon.
Molecular consequence: nonsense. On other transcripts: non-coding transcript variant (1).
Genome position (GRCh38, 1-based): chr17:43,095,900, G>A on the plus strand (C>T on the coding strand, the complement: BRCA1 is on the minus strand). VCF-style: chr17-43095900-G-A. GRCh37 (hg19) VCF-style: chr17-41247917-G-A.
Other names: c.472C>T, p.Gln158Ter (NM_001407844.1, NM_001407845.1, NM_001407846.1 and 26 more transcripts); c.475C>T, p.Gln159Ter (NM_001407850.1, NM_001407851.1, NM_001407852.1 and 43 more transcripts); c.403C>T, p.Gln135Ter (NM_001407853.1, NM_001407894.1, NM_001407895.1 and 12 more transcripts); c.616C>T, p.Gln206Ter (NM_001407854.1, NM_001407858.1, NM_001407859.1 and 59 more transcripts); c.613C>T, p.Gln205Ter (NM_001407860.1, NM_001407861.1, NM_001407972.1 and 41 more transcripts); c.406C>T, p.Gln136Ter (NM_001407879.1, NM_001407881.1, NM_001407882.1 and 27 more transcripts); c.235C>T, p.Gln79Ter (NM_001407959.1, NM_001407960.1, NM_001407963.1 and 1 more transcripts); c.232C>T, p.Gln78Ter (NM_001407962.1); and 4 more; short protein forms Q206*, Q159*, Q136*, Q161*, Q180*, Q205*, Q135*, Q158*.
Identifiers: ClinVar variation 55647 (VCV000055647.32), dbSNP rs397509301, ClinGen allele CA003762.